The following is an entry in ClinVar:

NM_001367624.2(ZNF469):c.634C>A (p.Gln212Lys)

Gene: ZNF469 (zinc finger protein 469; plus strand). Cytogenetic location: 16q24.2.
Variant type: single nucleotide variant.
Coding change: c.634C>A on transcript NM_001367624.2 (MANE Select); coding-DNA position 634, C replaced by A.
Protein change: p.Gln212Lys; replaces glutamine 212 with lysine.
Molecular consequence: missense variant.
Genome position (GRCh38, 1-based): chr16:88,428,104, C>A. VCF-style: chr16-88428104-C-A. GRCh37 (hg19) VCF-style: chr16-88494512-C-A.
Other names: NM_001127464.1:c.634C>A; short protein forms Q212K.
Identifiers: ClinVar variation 2449535 (VCV002449535.2), dbSNP rs1019985559, ClinGen allele CA286371804.
Genomic context (GRCh38, chr16:88,428,104, plus strand): 5'-ACCTCCACCAACTATACCTCACCAAGCGCCACCCCCAGGCCCCCAGCCCCGGGGCCCCCC[C>A]AGAGCAGGGGCACCAGCCCCCTCCAGCCCGGTTCCTATCCCGAATACCAGGCCAGTGGGG-3'
Protein context (NP_001354553.1, residues 202-222): TPRPPAPGPP[Gln212Lys]SRGTSPLQPG

ClinVar aggregate classification (germline): Uncertain significance (1 of 4 stars; one submission).

Conditions:
Cardiovascular phenotype. Identifiers: MedGen CN230736.

Allele frequency attached by ClinVar (database versions not stated): gnomAD exomes below 0.00001; gnomAD 0.00001; TOPMed 0.00001.
gnomAD v4.1: 7 of 1,549,758 alleles (0.00045%); highest among the groups gnomAD compares: African/African-American, 0.0014%; no homozygotes.

Submission:

Ambry Genetics
Classification: Uncertain significance for Cardiovascular phenotype. Last evaluated: 2023-03-11. Review status: criteria provided, single submitter. Criteria: Ambry Variant Classification Scheme 2023. Collection method: clinical testing. Allele origin: germline.
Comment: The p.Q212K variant (also known as c.634C>A), located in coding exon 1 of the ZNF469 gene, results from a C to A substitution at nucleotide position 634. The glutamine at codon 212 is replaced by lysine, an amino acid with similar properties. This amino acid position is conserved. In addition, this alteration is predicted to be tolerated by in silico analysis. Since supporting evidence is limited at this time, the clinical significance of this alteration remains unclear.